The following is an entry in ClinVar:

ClinVar aggregate classification (germline): Uncertain significance. Review status: criteria provided, multiple submitters, no conflicts (2 of 4 stars). 3 submissions from 3 submitters: Uncertain significance (2). 1 of the submissions does not count toward it. Last evaluated 2025-10-10.

Conditions:
PKD1L1-related disorder. Also called: PKD1L1-related condition.

Allele frequency attached by ClinVar (database versions not stated): 1000 Genomes Project 0.00100; gnomAD 0.00104; TOPMed 0.00107; ESP Exome Variant Server 0.00115; 1000 Genomes Project 30x 0.00125; gnomAD exomes 0.00009; ExAC 0.00028.
gnomAD v4.1: 241 of 1,100,922 alleles (0.022%); highest among the groups gnomAD compares: African/African-American, 0.34%; no homozygotes.

Submissions (3):

Labcorp Genetics (formerly Invitae), Labcorp
Classification: Uncertain significance. Last evaluated: 2025-10-10. Review status: criteria provided, single submitter. Criteria: Invitae Variant Classification Sherloc (09022015). Collection method: clinical testing. Allele origin: germline.
Comment: This sequence change replaces asparagine, which is neutral and polar, with histidine, which is basic and polar, at codon 398 of the PKD1L1 protein (p.Asn398His). The frequency data for this variant in the population databases is considered unreliable, as metrics indicate poor data quality at this position in the gnomAD database. This variant has not been reported in the literature in individuals affected with PKD1L1-related conditions. ClinVar contains an entry for this variant (Variation ID: 3045379). An algorithm developed to predict the effect of missense changes on protein structure and function (PolyPhen-2) suggests that this variant is likely to be tolerated. In summary, the available evidence is currently insufficient to determine the role of this variant in disease. Therefore, it has been classified as a Variant of Uncertain Significance.

Blueprint Genetics
Classification: Uncertain significance. Last evaluated: 2024-08-30. Review status: criteria provided, single submitter. Criteria: ACMG Guidelines, 2015. Collection method: clinical testing. Allele origin: germline.

PreventionGenetics, part of Exact Sciences
Classification: Likely benign for PKD1L1-related condition. Last evaluated: 2022-05-05. Review status: no assertion criteria provided. Collection method: clinical testing. Allele origin: germline. Not counted in ClinVar's aggregate classification.
Comment: This variant is classified as likely benign based on ACMG/AMP sequence variant interpretation guidelines (Richards et al. 2015 PMID: 25741868, with internal and published modifications).

NM_138295.5(PKD1L1):c.1192A>C (p.Asn398His)

Gene: PKD1L1 (polycystin 1 like 1, transient receptor potential channel interacting; minus strand). Cytogenetic location: 7p12.3.
Variant type: single nucleotide variant.
Coding change: c.1192A>C on transcript NM_138295.5 (MANE Select); coding-DNA position 1192, A replaced by C.
Protein change: p.Asn398His; replaces asparagine 398 with histidine.
Molecular consequence: missense variant.
Genome position (GRCh38, 1-based): chr7:47,915,468, T>G on the plus strand (A>C on the coding strand, the complement: PKD1L1 is on the minus strand). VCF-style: chr7-47915468-T-G. GRCh37 (hg19) VCF-style: chr7-47955065-T-G.
Other names: short protein forms N398H.
Identifiers: ClinVar variation 3045379 (VCV003045379.5), dbSNP rs140430201, ClinGen allele CA4254133.